The following is an entry in ClinVar:

ClinVar aggregate classification (germline): Likely pathogenic (1 of 4 stars; one submission).

Conditions:
Fabry disease. Also called: ALPHA-GALACTOSIDASE A DEFICIENCY; ANDERSON-FABRY DISEASE; CERAMIDE TRIHEXOSIDASE DEFICIENCY; GLA DEFICIENCY; HEREDITARY DYSTOPIC LIPIDOSIS; Angiokeratoma corporis diffusum. Identifiers: Orphanet 324, MedGen C0002986, MONDO:0010526, OMIM 301500, HP:0001071. Disease mechanism: Fabry disease is due to inactivating mutations in the X-linked GLA gene resulting in deficiency of the enzyme Alpha Galactosidase-A., loss of function.

Submission:

Genomenon, Inc
Classification: Likely pathogenic for Fabry disease. Last evaluated: 2026-09-08. Review status: criteria provided, single submitter. Criteria: Genomenon Sequence Variant Interpretation Standards - Updated. Collection method: curation. Allele origin: germline. Affected: yes.
Comment: GLA p.Asn224His (c.670A>C) is a missense variant that changes the amino acid at codon 224 from Asparagine to Histidine. This variant has been observed in at least one proband with clinical features consistent with Fabry disease (PMID:25270872). Functional or patient cell studies have been reported (PMID:25270872). This variant is located in a mutational hotspot and/or important functional domain. It is absent or not present at a significant frequency in gnomAD. In silico models predict that this variant is possibly or probably damaging. In conclusion, we classify GLA p.Asn224His (c.670A>C) as a likely pathogenic variant.

Literature cited by the submitters: PubMed 25270872.

NM_000169.3(GLA):c.670A>C (p.Asn224His)

Genes: GLA (galactosidase alpha; minus strand), RPL36A-HNRNPH2 (RPL36A-HNRNPH2 readthrough; plus strand). Cytogenetic location: Xq22.1.
Variant type: single nucleotide variant.
Coding change: c.670A>C on transcript NM_000169.3 (MANE Select); coding-DNA position 670, A replaced by C.
Protein change: p.Asn224His; replaces asparagine 224 with histidine.
Molecular consequence: missense variant. On other transcripts: non-coding transcript variant (3), intron variant (2).
Genome position (GRCh38, 1-based): chrX:101,398,916, T>G on the plus strand (A>C on the coding strand, the complement: GLA is on the minus strand). VCF-style: chrX-101398916-T-G. GRCh37 (hg19) VCF-style: chrX-100653904-T-G.
Other names: c.793A>C, p.Asn265His (NM_001406747.1); c.670A>C, p.Asn224His (NM_001406748.1); c.300+3459T>G (NM_001199973.2); c.177+7094T>G (NM_001199974.2); short protein forms N224H, N265H.
Identifiers: ClinVar variation 4087461 (VCV004087461.2).